The following is an entry in ClinVar:

NM_032317.3(DNAJC30):c.171dup (p.Ser58fs)

Genes: DNAJC30 (DnaJ heat shock protein family (Hsp40) member C30; minus strand), LOC129998603 (ATAC-STARR-seq lymphoblastoid active region 26127; plus strand). Cytogenetic location: 7q11.23.
Variant type: Duplication.
Coding change: c.171dup on transcript NM_032317.3 (MANE Select); coding-DNA position 171, one base duplicated (C; older notation c.171dupC).
Protein change: p.Ser58fs; shifts the reading frame from serine 58.
Molecular consequence: frameshift variant.
Genome position (GRCh38, 1-based): chr7:73,683,253, G duplicated on the plus strand (C on the coding strand, the reverse complement: DNAJC30 is on the minus strand); the first of 4 consecutive G bases (chr7:73,683,253-73,683,256); duplicating any one gives the same sequence. VCF-style (leftmost placement, unchanged base first): chr7-73683252-A-AG. GRCh37 (hg19) VCF-style: chr7-73097582-A-AG.
Other names: short protein forms S58fs.
Identifiers: ClinVar variation 5002657 (VCV005002657.1).

ClinVar aggregate classification (germline): Likely pathogenic (1 of 4 stars; one submission).

Conditions:
Optic neuropathy. Also called: Optic nerve disorder. Identifiers: MedGen C3887709, MONDO:0002135, HP:0001138.

Submission:

Genetics Laboratory, Great Ormond Street Hospital NHS Foundation Trust, North Thames Genomic Laboratory Hub
Classification: Likely pathogenic for Optic neuropathy. Last evaluated: 2026-07-31. Review status: criteria provided, single submitter. Criteria: ACGS Best Practice Guidelines for Variant Classification in Rare Disease 2024 v1.2. Collection method: clinical testing. Allele origin: germline. Affected: yes.
Comment: PM2_moderate, PVS1_strong, PM3_supporting